The following is an entry in ClinVar:

ClinVar aggregate classification (germline): Uncertain significance. Review status: criteria provided, multiple submitters, no conflicts (2 of 4 stars). 4 submissions from 4 submitters: Uncertain significance (4). Last evaluated 2026-01-21.

Conditions:
Amyotrophic lateral sclerosis type 23. Identifiers: MedGen C4693381, MONDO:0027694, OMIM 617839.
ANXA11-related disorder. Also called: ANXA11-related condition.

Submissions (4):

Labcorp Genetics (formerly Invitae), Labcorp
Classification: Uncertain significance. Last evaluated: 2026-01-21. Review status: criteria provided, single submitter. Criteria: Invitae Variant Classification Sherloc (09022015). Collection method: clinical testing. Allele origin: germline.
Comment: This sequence change replaces leucine, which is neutral and non-polar, with glutamine, which is neutral and polar, at codon 337 of the ANXA11 protein (p.Leu337Gln). This variant is present in population databases (no rsID available, gnomAD 0.03%), and has an allele count higher than expected for a pathogenic variant. This variant has not been reported in the literature in individuals affected with ANXA11-related conditions. ClinVar contains an entry for this variant (Variation ID: 1447044). An algorithm developed to predict the effect of missense changes on protein structure and function (PolyPhen-2) suggests that this variant is likely to be disruptive. In summary, the available evidence is currently insufficient to determine the role of this variant in disease. Therefore, it has been classified as a Variant of Uncertain Significance.

PreventionGenetics, part of Exact Sciences
Classification: Uncertain significance for ANXA11-related condition. Last evaluated: 2025-07-02. Review status: criteria provided, single submitter. Criteria: ACMG Guidelines, 2015. Collection method: clinical testing. Allele origin: germline.
Comment: The ANXA11 c.1010_1011delinsAA variant is predicted to result in an in-frame deletion and insertion. To our knowledge, this variant has not been reported in the literature. Although this variant is not reported in gnomAD V2.1.1 as c.1010_1011delinsAA, it is present as two individual variants, c.1010T>A and c.1011C>A. Variant co-occurrence analysis of 56 individuals found these variants in the same haplotype in 100% of the alleles. Both variants occur at an allele frequency of 0.06% among individuals of European (non-Finnish) descent in gnomAD, which is likely too high to be an undocumented cause of ANXA11-related autosomal dominant disorder. The c.1010_1011delinsAA variant is interpreted as a variant of uncertain significance in ClinVar. Although we suspect that this variant may be benign, the clinical significance of this variant is classified as uncertain at this time due to insufficient functional and genetic evidence.

Mayo Clinic Laboratories, Mayo Clinic
Classification: Uncertain significance. Last evaluated: 2025-04-22. Review status: criteria provided, single submitter. Criteria: ACMG Guidelines, 2015. Collection method: clinical testing. Allele origin: germline. Observed: 1 variant allele.
Comment: BS2

Institute of Human Genetics, University of Leipzig Medical Center
Classification: Uncertain significance for Amyotrophic lateral sclerosis type 23. Last evaluated: 2024-09-09. Review status: criteria provided, single submitter. Criteria: ACMG Guidelines, 2015. Collection method: clinical testing. Allele origin: unknown. Inheritance: Autosomal dominant inheritance. Affected: yes.
Comment: Criteria applied: PM2,PP3

NM_145868.2(ANXA11):c.1010_1011delinsAA (p.Leu337Gln)

Gene: ANXA11 (annexin A11; minus strand). Cytogenetic location: 10q22.3.
Variant type: Indel.
Coding change: c.1010_1011delinsAA on transcript NM_145868.2 (MANE Select); coding-DNA positions 1010 to 1011, TC replaced by AA.
Protein change: p.Leu337Gln; replaces leucine 337 with glutamine.
Molecular consequence: missense variant.
Genome position (GRCh38, 1-based): chr10:80,163,552-80,163,553, GA replaced by TT on the plus strand (TC replaced by AA on the coding strand, the reverse complement: ANXA11 is on the minus strand). VCF-style: chr10-80163552-GA-TT. GRCh37 (hg19) VCF-style: chr10-81923308-GA-TT.
Other names: p.Leu337Gln; c.1010_1011delinsAA, p.Leu337Gln (NM_001157.3, NM_001278407.2, NM_001278408.2 and 1 more transcripts); c.911_912delinsAA, p.Leu304Gln (NM_001278409.2); c.1010_1011delinsAA (NM_145869.1); short protein forms L337Q, L304Q.
Identifiers: ClinVar variation 1447044 (VCV001447044.10), dbSNP rs2132386401, ClinGen allele CA2573145799.